The following is an entry in ClinVar:

ClinVar aggregate classification (germline): Uncertain significance (1 of 4 stars; one submission).

Conditions:
Methylmalonic aciduria, cblB type (MACB). Also called: Methylmalonic acidemia cblB type; METHYLMALONIC ACIDURIA, VITAMIN B12-RESPONSIVE, DUE TO DEFECT IN SYNTHESIS OF ADENOSYLCOBALAMIN, cblB TYPE; Vitamin B12-responsive methylmalonic acidemia type cblB. Identifiers: Orphanet 28, Orphanet 79311, MedGen C1855102, MONDO:0009614, OMIM 251110.

Submission:

Labcorp Genetics (formerly Invitae), Labcorp
Classification: Uncertain significance for Methylmalonic aciduria, cblB type. Last evaluated: 2023-06-03. Review status: criteria provided, single submitter. Criteria: Invitae Variant Classification Sherloc (09022015). Collection method: clinical testing. Allele origin: germline.
Comment: In summary, the available evidence is currently insufficient to determine the role of this variant in disease. Therefore, it has been classified as a Variant of Uncertain Significance. This variant disrupts the p.Arg190 amino acid residue in MMAB. Other variant(s) that disrupt this residue have been determined to be pathogenic (PMID: 16410054, 19625202, 24059531, 29039164, 29197662). This suggests that this residue is clinically significant, and that variants that disrupt this residue are likely to be disease-causing. Advanced modeling of protein sequence and biophysical properties (such as structural, functional, and spatial information, amino acid conservation, physicochemical variation, residue mobility, and thermodynamic stability) performed at Invitae indicates that this missense variant is expected to disrupt MMAB protein function. This missense change has been observed in individual(s) with clinical features of methylmalonic aciduria cobalamin B type (Invitae). This variant is not present in population databases (gnomAD no frequency). This sequence change replaces arginine, which is basic and polar, with leucine, which is neutral and non-polar, at codon 190 of the MMAB protein (p.Arg190Leu).

Literature cited by the submitters: PubMed 16410054; PubMed 19625202; PubMed 24059531; PubMed 29039164; PubMed 29197662.

NM_052845.4(MMAB):c.569G>T (p.Arg190Leu)

Gene: MMAB (metabolism of cobalamin associated B; minus strand). Cytogenetic location: 12q24.11.
Variant type: single nucleotide variant.
Coding change: c.569G>T on transcript NM_052845.4 (MANE Select); coding-DNA position 569, G replaced by T.
Protein change: p.Arg190Leu; replaces arginine 190 with leucine.
Molecular consequence: missense variant. On other transcripts: non-coding transcript variant (1).
Genome position (GRCh38, 1-based): chr12:109,561,055, C>A on the plus strand (G>T on the coding strand, the complement: MMAB is on the minus strand). VCF-style: chr12-109561055-C-A. GRCh37 (hg19) VCF-style: chr12-109998860-C-A.
Other names: short protein forms R190L.
Identifiers: ClinVar variation 2764740 (VCV002764740.3), dbSNP rs756414548, ClinGen allele CA386636844.